The following is an entry in ClinVar:

ClinVar aggregate classification (germline): Pathogenic (1 of 4 stars; one submission).

Conditions:
Neurofibromatosis, type 1 (NF1). Also called: Neurofibromatosis, type I; Peripheral type neurofibromatosis; NEUROFIBROMATOSIS, TYPE I, SOMATIC; VON RECKLINGHAUSEN DISEASE. Identifiers: Orphanet 636, MedGen C0027831, MONDO:0018975, OMIM 162200. Disease mechanism: loss of function.

Submission:

Labcorp Genetics (formerly Invitae), Labcorp
Classification: Pathogenic for Neurofibromatosis, type 1. Last evaluated: 2022-06-07. Review status: criteria provided, single submitter. Criteria: Invitae Variant Classification Sherloc (09022015). Collection method: clinical testing. Allele origin: germline.
Comment: This sequence change creates a premature translational stop signal (p.Tyr433Serfs*4) in the NF1 gene. It is expected to result in an absent or disrupted protein product. Loss-of-function variants in NF1 are known to be pathogenic (PMID: 10712197, 23913538). This variant is not present in population databases (gnomAD no frequency). This variant has not been reported in the literature in individuals affected with NF1-related conditions. For these reasons, this variant has been classified as Pathogenic.

Literature cited by the submitters: PubMed 10712197; PubMed 23913538.

NM_001042492.3(NF1):c.1298_1302del (p.Tyr433fs)

Gene: NF1 (neurofibromin 1; plus strand). Cytogenetic location: 17q11.2.
Variant type: Deletion.
Coding change: c.1298_1302del on transcript NM_001042492.3 (MANE Select); coding-DNA positions 1298 to 1302, 5 bases deleted (ATTGT; older notation c.1298_1302delATTGT).
Protein change: p.Tyr433fs; shifts the reading frame from tyrosine 433.
Molecular consequence: frameshift variant.
Genome position (GRCh38, 1-based): chr17:31,206,277-31,206,281, ATTGT deleted; deleting any 5 consecutive bases within chr17:31,206,274-31,206,281 gives the same sequence; the c. name uses the placement nearest the transcript's 3' end. VCF-style (leftmost placement, unchanged base first): chr17-31206273-GTGTAT-G. GRCh37 (hg19) VCF-style: chr17-29533291-GTGTAT-G.
Other names: c.1298_1302delATTGT, p.Tyr433Serfs (NM_000267.4); c.1298_1302del, p.Tyr433fs (NM_001128147.3); short protein forms Y433fs.
Identifiers: ClinVar variation 2002621 (VCV002002621.4), dbSNP rs2066619565, ClinGen allele CA2255552879.
Genomic context (GRCh38, chr17:31,206,273, plus strand): 5'-TTCCTATTGGTCTTTGTTTTTCTCTAGTCCGCATTGGATTGGTGGCCTAAGATTGATGCT[GTGTAT>G]TGTCACTCGGTTGAACTTCGAAATATGTTTGGTGAAACACTTCATAAAGCAGTGCAAGGT-3'